The following is an entry in ClinVar:

NM_002485.5(NBN):c.814G>A (p.Asp272Asn)

Gene: NBN (nibrin; minus strand). Cytogenetic location: 8q21.3.
Variant type: single nucleotide variant.
Coding change: c.814G>A on transcript NM_002485.5 (MANE Select); coding-DNA position 814, G replaced by A.
Protein change: p.Asp272Asn; replaces aspartic acid 272 with asparagine.
Molecular consequence: missense variant.
Genome position (GRCh38, 1-based): chr8:89,970,446, C>T on the plus strand (G>A on the coding strand, the complement: NBN is on the minus strand). VCF-style: chr8-89970446-C-T. GRCh37 (hg19) VCF-style: chr8-90982674-C-T.
Other names: c.568G>A, p.Asp190Asn (NM_001024688.3); short protein forms D272N, D190N.
Identifiers: ClinVar variation 483981 (VCV000483981.5), dbSNP rs1554563922, ClinGen allele CA371658558.

ClinVar aggregate classification (germline): Uncertain significance (1 of 4 stars; one submission).

Conditions:
Hereditary cancer-predisposing syndrome. Also called: Neoplastic Syndromes, Hereditary; Tumor predisposition; Hereditary Cancer Syndrome; Hereditary neoplastic syndrome. Identifiers: Orphanet 140162, MedGen C0027672, MeSH D009386, MONDO:0015356.

Submission:

Ambry Genetics
Classification: Uncertain significance for Hereditary cancer-predisposing syndrome. Last evaluated: 2016-12-30. Review status: criteria provided, single submitter. Criteria: Ambry Variant Classification Scheme 2023. Collection method: clinical testing. Allele origin: germline.
Comment: The p.D272N variant (also known as c.814G>A), located in coding exon 7 of the NBN gene, results from a G to A substitution at nucleotide position 814. The aspartic acid at codon 272 is replaced by asparagine, an amino acid with highly similar properties. This amino acid position is well conserved in available vertebrate species. In addition, this alteration is predicted to be tolerated by in silico analysis. Since supporting evidence is limited at this time, the clinical significance of this alteration remains unclear.

Literature cited by the submitters: PubMed 24349281.